The following is an entry in ClinVar:

NM_014967.5(FAN1):c.2470C>A (p.Arg824Ser)

Genes: FAN1 (FANCD2 and FANCI associated nuclease 1; plus strand), MTMR10 (myotubularin related protein 10; minus strand). Cytogenetic location: 15q13.3.
Variant type: single nucleotide variant.
Coding change: c.2470C>A on transcript NM_014967.5 (MANE Select); coding-DNA position 2470, C replaced by A.
Protein change: p.Arg824Ser; replaces arginine 824 with serine.
Molecular consequence: missense variant.
Genome position (GRCh38, 1-based): chr15:30,925,921, C>A. VCF-style: chr15-30925921-C-A. GRCh37 (hg19) VCF-style: chr15-31218124-C-A.
Other names: short protein forms R824S.
Identifiers: ClinVar variation 2063649 (VCV002063649.6), dbSNP rs199532729, ClinGen allele CA7450620.
Genomic context (GRCh38, chr15:30,925,921, plus strand): 5'-GCCGCTGACCCCACCACGGTCCTGTGCTCTGTGGAGGAGCTGGCACTGGCCCATTACAGA[C>A]GCAGCGGTTTTGACCAGGGTAACTGAGCAGGCTTTCTCTTGTGGCACCCAGCCCCGGGTG-3'
Protein context (NP_055782.3, residues 814-834): VEELALAHYR[Arg824Ser]SGFDQGIHGE

ClinVar aggregate classification (germline): Uncertain significance. Review status: criteria provided, multiple submitters, no conflicts (2 of 4 stars). 3 submissions from 3 submitters: Uncertain significance (3). Last evaluated 2024-11-05.

Conditions:
Karyomegalic interstitial nephritis. Identifiers: Orphanet 401996, MedGen C3553774, MONDO:0013898, OMIM 614817.
Inborn genetic diseases. Identifiers: MedGen C0950123, MeSH D030342.

gnomAD v4.1: 39 of 1,614,214 alleles (0.0024%); highest among the groups gnomAD compares: Admixed American, 0.062%; 1 homozygote.

Submissions (3):

Labcorp Genetics (formerly Invitae), Labcorp
Classification: Uncertain significance. Last evaluated: 2024-11-05. Review status: criteria provided, single submitter. Criteria: Invitae Variant Classification Sherloc (09022015). Collection method: clinical testing. Allele origin: germline.
Comment: This sequence change replaces arginine, which is basic and polar, with serine, which is neutral and polar, at codon 824 of the FAN1 protein (p.Arg824Ser). This variant is present in population databases (rs199532729, gnomAD 0.05%). This variant has not been reported in the literature in individuals affected with FAN1-related conditions. ClinVar contains an entry for this variant (Variation ID: 2063649). An algorithm developed to predict the effect of missense changes on protein structure and function outputs the following: PolyPhen-2: "Benign". The serine amino acid residue is found in multiple mammalian species, which suggests that this missense change does not adversely affect protein function. In summary, the available evidence is currently insufficient to determine the role of this variant in disease. Therefore, it has been classified as a Variant of Uncertain Significance.

Fulgent Genetics
Classification: Uncertain significance for Karyomegalic interstitial nephritis. Last evaluated: 2024-06-10. Review status: criteria provided, single submitter. Criteria: ACMG Guidelines, 2015. Collection method: clinical testing. Allele origin: germline.

Ambry Genetics
Classification: Uncertain significance for Inborn genetic diseases. Last evaluated: 2021-09-21. Review status: criteria provided, single submitter. Criteria: Ambry Variant Classification Scheme 2023. Collection method: clinical testing. Allele origin: germline.